The following is an entry in ClinVar:

NM_013275.6(ANKRD11):c.7806+5G>A

Gene: ANKRD11 (ankyrin repeat domain containing 11; minus strand). Cytogenetic location: 16q24.3.
Variant type: single nucleotide variant.
Coding change: c.7806+5G>A on transcript NM_013275.6 (MANE Select); 5 bases into the intron after coding-DNA position 7806, G replaced by A.
Molecular consequence: intron variant.
Genome position (GRCh38, 1-based): chr16:89,270,812, C>T on the plus strand (G>A on the coding strand, the complement: ANKRD11 is on the minus strand). VCF-style: chr16-89270812-C-T. GRCh37 (hg19) VCF-style: chr16-89337220-C-T.
Other names: c.7806+5G>A (NM_001256183.2, NM_001256182.2).
Identifiers: ClinVar variation 3373681 (VCV003373681.2).

ClinVar aggregate classification (germline): Uncertain significance (1 of 4 stars; one submission).

Submission:

GeneDx
Classification: Uncertain significance. Last evaluated: 2025-06-12. Review status: criteria provided, single submitter. Criteria: GeneDx Variant Classification Process June 2021. Collection method: clinical testing. Allele origin: germline. Affected: yes.
Comment: Not observed at significant frequency in large population cohorts (gnomAD); In silico analysis supports a deleterious effect on splicing; Has not been previously published as pathogenic or benign to our knowledge